The following is an entry in ClinVar:

ClinVar aggregate classification (germline): Uncertain significance (1 of 4 stars; one submission).

Conditions:
Gnathodiaphyseal dysplasia (GDD). Also called: GNATHODIAPHYSEAL SCLEROSIS; OSTEOGENESIS IMPERFECTA WITH UNUSUAL SKELETAL LESIONS. Identifiers: Orphanet 53697, MedGen C1833736, MONDO:0008151, OMIM 166260.
Autosomal recessive limb-girdle muscular dystrophy type 2L (LGMDR12). Also called: Limb-girdle muscular dystrophy, type 2L; MUSCULAR DYSTROPHY, LIMB-GIRDLE, AUTOSOMAL RECESSIVE 12; Limb-Girdle Muscular Dystrophy R12 Anoctamin-5-Related (LGMD-R12). Identifiers: Orphanet 206549, MedGen C1969785, MONDO:0012652, OMIM 611307.

Submission:

Labcorp Genetics (formerly Invitae), Labcorp
Classification: Uncertain significance for Autosomal recessive limb-girdle muscular dystrophy type 2L; Gnathodiaphyseal dysplasia. Last evaluated: 2023-09-26. Review status: criteria provided, single submitter. Criteria: Invitae Variant Classification Sherloc (09022015). Collection method: clinical testing. Allele origin: germline.
Comment: In summary, the available evidence is currently insufficient to determine the role of this variant in disease. Therefore, it has been classified as a Variant of Uncertain Significance. Advanced modeling of protein sequence and biophysical properties (such as structural, functional, and spatial information, amino acid conservation, physicochemical variation, residue mobility, and thermodynamic stability) performed at Invitae indicates that this missense variant is expected to disrupt ANO5 protein function. This variant has not been reported in the literature in individuals affected with ANO5-related conditions. This variant is not present in population databases (gnomAD no frequency). This sequence change replaces proline, which is neutral and non-polar, with threonine, which is neutral and polar, at codon 251 of the ANO5 protein (p.Pro251Thr).

NM_213599.3(ANO5):c.751C>A (p.Pro251Thr)

Gene: ANO5 (anoctamin 5; plus strand). Cytogenetic location: 11p14.3.
Variant type: single nucleotide variant.
Coding change: c.751C>A on transcript NM_213599.3 (MANE Select); coding-DNA position 751, C replaced by A.
Protein change: p.Pro251Thr; replaces proline 251 with threonine.
Molecular consequence: missense variant.
Genome position (GRCh38, 1-based): chr11:22,236,265, C>A. VCF-style: chr11-22236265-C-A. GRCh37 (hg19) VCF-style: chr11-22257811-C-A.
Other names: c.748C>A, p.Pro250Thr (NM_001142649.2); c.709C>A, p.Pro237Thr (NM_001410963.1); c.706C>A, p.Pro236Thr (NM_001410964.1); short protein forms P236T, P237T, P251T, P250T.
Identifiers: ClinVar variation 2935940 (VCV002935940.3), dbSNP rs2133648746, ClinGen allele CA379920327.